The following is an entry in ClinVar:

NM_001031689.3(PLAA):c.215G>A (p.Cys72Tyr)

Gene: PLAA (phospholipase A2 activating protein; minus strand). Cytogenetic location: 9p21.2.
Variant type: single nucleotide variant.
Coding change: c.215G>A on transcript NM_001031689.3 (MANE Select); coding-DNA position 215, G replaced by A.
Protein change: p.Cys72Tyr; replaces cysteine 72 with tyrosine.
Molecular consequence: missense variant.
Genome position (GRCh38, 1-based): chr9:26,935,141, C>T on the plus strand (G>A on the coding strand, the complement: PLAA is on the minus strand). VCF-style: chr9-26935141-C-T. GRCh37 (hg19) VCF-style: chr9-26935139-C-T.
Other names: c.215G>A, p.Cys72Tyr (NM_001321546.2); short protein forms C72Y.
Identifiers: ClinVar variation 2430379 (VCV002430379.3), dbSNP rs2489226852, ClinGen allele CA373112067.
Genomic context (GRCh38, chr9:26,935,141, plus strand): 5'-TGGTCATTTCCACCGGTGGCAATTAGGCCATGAGGGTAGATGTCACTTGAGGGTATGATG[C>T]ATACACAAGATACAAAATTGGAATGGCCACTCATACAGTGCATTTCTGTAAAGCTCCTGT-3'
Protein context (NP_001026859.1, residues 62-82): SGHSNFVSCV[Cys72Tyr]IIPSSDIYPH

ClinVar aggregate classification (germline): Uncertain significance (1 of 4 stars; one submission).

Conditions:
Neurodevelopmental disorder with progressive microcephaly, spasticity, and brain anomalies. Identifiers: Orphanet 521426, MedGen C4479631, MONDO:0060502, OMIM 617527.

Submission:

Diagnostics Services (NGS), CSIR - Centre For Cellular And Molecular Biology
Classification: Uncertain significance for Neurodevelopmental disorder with progressive microcephaly, spasticity, and brain anomalies. Last evaluated: 2023-02-27. Review status: criteria provided, single submitter. Criteria: ACMG Guidelines, 2015. Collection method: clinical testing. Allele origin: germline. Affected: yes. Observed: 1 variant allele, 1 homozygote.
Comment: The c.215G>A variant is not present in publicly available population databases like 1000 Genomes, ExAC, EVS, Indian Exome Database or in our in-house exome database. This variant has neither been published in literature nor reported to clinical databases like ClinVar, Human Gene Mutation Database (HGMD) or OMIM, in any affected individuals. In silico pathogenicity prediction programs like SIFT, PolyPhen2, MutationTaster2, CADD etc predicted this variant to be likely deleterious, however these were not confirmed by published functional studies.